The following is an entry in ClinVar:

NM_001386140.1(MTTP):c.1573_1574del (p.Asn525fs)

Gene: MTTP (microsomal triglyceride transfer protein; plus strand). Cytogenetic location: 4q23.
Variant type: Deletion.
Coding change: c.1573_1574del on transcript NM_001386140.1 (MANE Select); coding-DNA positions 1573 to 1574, 2 bases deleted (AA; older notation c.1573_1574delAA).
Protein change: p.Asn525fs; shifts the reading frame from asparagine 525.
Molecular consequence: frameshift variant.
Genome position (GRCh38, 1-based): chr4:99,608,781-99,608,782, AA deleted; deleting any 2 consecutive bases within chr4:99,608,780-99,608,782 gives the same sequence; the c. name uses the placement nearest the transcript's 3' end. VCF-style (leftmost placement, unchanged base first): chr4-99608779-TAA-T. GRCh37 (hg19) VCF-style: chr4-100529936-TAA-T.
Other names: c.1573_1574del, p.Asn525fs (NM_000253.4); c.1324_1325del, p.Asn442fs (NM_001300785.2); short protein forms N442fs, N525fs.
Identifiers: ClinVar variation 1725302 (VCV001725302.2), dbSNP rs2476141279, ClinGen allele CA2580071896.

ClinVar aggregate classification (germline): Likely pathogenic (1 of 4 stars; one submission).

Conditions:
Abetalipoproteinaemia (ABL). Also called: Abetalipoproteinemia; Abetalipoproteinemia neuropathy; Apolipoprotein B deficiency; Congenital betalipoprotein deficiency syndrome; MTP DEFICIENCY. Identifiers: Orphanet 14, MedGen C0000744, MONDO:0008692, OMIM 200100, HP:0008181.

Submission:

Myriad Genetics, Inc.
Classification: Likely pathogenic for Abetalipoproteinaemia. Last evaluated: 2021-12-02. Review status: criteria provided, single submitter. Criteria: Myriad Women's Health Autosomal Recessive and X-Linked Classification Criteria (2021). Collection method: clinical testing. Allele origin: unknown.
Comment: NM_000253.2(MTTP):c.1573_1574delAA(N525Qfs*8) is expected to be pathogenic in the context of abetalipoproteinemia. This variant is predicted to lead to an abnormal or absent protein product due to the creation of a premature termination codon in MTTP, a gene where loss-of-function variants are known to be pathogenic. Please note: this variant was assessed in the context of healthy population screening.